The following is an entry in ClinVar:

ClinVar aggregate classification (germline): Uncertain significance (1 of 4 stars; one submission).

Submission:

GeneDx
Classification: Uncertain significance. Last evaluated: 2026-01-31. Review status: criteria provided, single submitter. Criteria: GeneDx Variant Classification Process June 2021. Collection method: clinical testing. Allele origin: germline.
Comment: Not observed at significant frequency in large population cohorts (gnomAD); In silico analysis supports that this missense variant has a deleterious effect on protein structure/function; Has not been previously published as pathogenic or benign to our knowledge

NM_005334.3(HCFC1):c.1757C>T (p.Thr586Ile)

Gene: HCFC1 (host cell factor C1; minus strand). Cytogenetic location: Xq28.
Variant type: single nucleotide variant.
Coding change: c.1757C>T on transcript NM_005334.3 (MANE Select); coding-DNA position 1757, C replaced by T.
Protein change: p.Thr586Ile; replaces threonine 586 with isoleucine.
Molecular consequence: missense variant. On other transcripts: intron variant (2).
Genome position (GRCh38, 1-based): chrX:153,958,615, G>A on the plus strand (C>T on the coding strand, the complement: HCFC1 is on the minus strand). VCF-style: chrX-153958615-G-A. GRCh37 (hg19) VCF-style: chrX-153224066-G-A.
Other names: c.1757C>T, p.Thr586Ile (NM_001410705.1, NM_001440843.1, NM_001440844.1 and 5 more transcripts); c.1606-366C>T (NM_001440851.1, NM_001440850.1); short protein forms T586I.
Identifiers: ClinVar variation 4975984 (VCV004975984.1).
Genomic context (GRCh38, chrX:153,958,615, plus strand): 5'-CGGAAGACGCTCACCATGACTGGCGAGGAGGCCACCTTCACAGTGGCTGGGAGGGTGGTA[G>A]TGCCAGGTGTCACAGCCATGGTCTTCACGATGGTGGTACCCGCTGGGACACTCAGCACCG-3'
Protein context (NP_005325.2, residues 576-596): IVKTMAVTPG[Thr586Ile]TTLPATVKVA